The following is an entry in ClinVar:

ClinVar aggregate classification (germline): Uncertain significance. Review status: criteria provided, multiple submitters, no conflicts (2 of 4 stars). 2 submissions from 2 submitters: Uncertain significance (2). Last evaluated 2024-08-30.

Conditions:
Hereditary cancer-predisposing syndrome. Also called: Tumor predisposition; Neoplastic Syndromes, Hereditary; Hereditary Cancer Syndrome; Hereditary neoplastic syndrome. Identifiers: Orphanet 140162, MedGen C0027672, MeSH D009386, MONDO:0015356.
Ataxia-telangiectasia syndrome (AT). Also called: Ataxia-telangiectasia; LOUIS-BAR SYNDROME; Ataxia-telangiectasia, complementation group D; AT, COMPLEMENTATION GROUP C; ATAXIA-TELANGIECTASIA, COMPLEMENTATION GROUP A; ATAXIA-TELANGIECTASIA, FRESNO VARIANT. Identifiers: Orphanet 100, MedGen C0004135, MONDO:0008840, OMIM 208900.

Submissions (2):

Ambry Genetics
Classification: Uncertain significance for Hereditary cancer-predisposing syndrome. Last evaluated: 2024-08-30. Review status: criteria provided, single submitter. Criteria: Ambry Variant Classification Scheme 2023. Collection method: clinical testing. Allele origin: germline.
Comment: The p.N2782S variant (also known as c.8345A>G), located in coding exon 56 of the ATM gene, results from an A to G substitution at nucleotide position 8345. The asparagine at codon 2782 is replaced by serine, an amino acid with highly similar properties. This amino acid position is not well conserved in available vertebrate species. In addition, this alteration is predicted to be tolerated by in silico analysis. Based on the available evidence, the clinical significance of this variant remains unclear.

Labcorp Genetics (formerly Invitae), Labcorp
Classification: Uncertain significance for Ataxia-telangiectasia syndrome. Last evaluated: 2021-11-16. Review status: criteria provided, single submitter. Criteria: Invitae Variant Classification Sherloc (09022015). Collection method: clinical testing. Allele origin: germline.
Comment: This sequence change replaces asparagine, which is neutral and polar, with serine, which is neutral and polar, at codon 2782 of the ATM protein (p.Asn2782Ser). This variant is not present in population databases (gnomAD no frequency). This variant has not been reported in the literature in individuals affected with ATM-related conditions. Algorithms developed to predict the effect of missense changes on protein structure and function (SIFT, PolyPhen-2, Align-GVGD) all suggest that this variant is likely to be tolerated. Algorithms developed to predict the effect of sequence changes on RNA splicing suggest that this variant may create or strengthen a splice site. In summary, the available evidence is currently insufficient to determine the role of this variant in disease. Therefore, it has been classified as a Variant of Uncertain Significance.

NM_000051.4(ATM):c.8345A>G (p.Asn2782Ser)

Genes: ATM (ATM serine/threonine kinase; plus strand), C11orf65 (chromosome 11 open reading frame 65; minus strand). Cytogenetic location: 11q22.3.
Variant type: single nucleotide variant.
Coding change: c.8345A>G on transcript NM_000051.4 (MANE Select); coding-DNA position 8345, A replaced by G.
Protein change: p.Asn2782Ser; replaces asparagine 2782 with serine.
Molecular consequence: missense variant. On other transcripts: intron variant (2).
Genome position (GRCh38, 1-based): chr11:108,343,298, A>G. VCF-style: chr11-108343298-A-G. GRCh37 (hg19) VCF-style: chr11-108214025-A-G.
Other names: c.8345A>G, p.Asn2782Ser (NM_001351834.2); c.641-34227T>C (NM_001330368.2); c.695-8006T>C (NM_001351110.2); short protein forms N2782S.
Identifiers: ClinVar variation 1361720 (VCV001361720.5), dbSNP rs2136947221, ClinGen allele CA382516466.
Genomic context (GRCh38, chr11:108,343,298, plus strand): 5'-AGCGAAGTGGTGTTCTTGAATGGTGCACAGGAACTGTCCCCATTGGTGAATTTCTTGTTA[A>G]CAATGAAGATGGTGCTCATAAAAGATACAGGCCAAATGATTTCAGTGCCTTTCAGTGCCA-3'
Protein context (NP_000042.3, residues 2772-2792): GTVPIGEFLV[Asn2782Ser]NEDGAHKRYR